The following is an entry in ClinVar:

ClinVar aggregate classification (germline): Benign/Likely benign. Review status: criteria provided, multiple submitters, no conflicts (2 of 4 stars). 2 submissions from 2 submitters: Benign (1); Likely benign (1). Last evaluated 2022-03-04.

Conditions:
Pancreatic cancer, susceptibility to, 1. Identifiers: Orphanet 1333, MedGen C1847351, MONDO:0011739, OMIM 606856.

Allele frequency attached by ClinVar (database versions not stated): gnomAD 0.00002 and 0.00003; ExAC 0.00003; gnomAD exomes 0.00003 and 0.00004; TOPMed 0.00004; 1000 Genomes Project 30x 0.00016; 1000 Genomes Project 0.00020.
gnomAD v4.1: 55 of 1,614,148 alleles (0.0034%); highest among the groups gnomAD compares: East Asian, 0.027%; no homozygotes.

Submissions (2):

Ambry Genetics
Classification: Likely benign. Last evaluated: 2022-03-04. Review status: criteria provided, single submitter. Criteria: Ambry Variant Classification Scheme 2023. Collection method: clinical testing. Allele origin: germline.

Illumina Laboratory Services, Illumina
Classification: Benign for Pancreatic cancer, susceptibility to, 1. Last evaluated: 2018-01-12. Review status: criteria provided, single submitter. Criteria: ICSL Variant Classification Criteria 13 December 2019. Collection method: clinical testing. Allele origin: germline.
Comment: This variant was observed in the ICSL laboratory as part of a predisposition screen in an ostensibly healthy population. It had not been previously curated by ICSL or reported in the Human Gene Mutation Database (HGMD: prior to June 1st, 2018), and was therefore a candidate for classification through an automated scoring system. Utilizing variant allele frequency, disease prevalence and penetrance estimates, and inheritance mode, an automated score was calculated to assess if this variant is too frequent to cause the disease. Based on the score and internal cut-off values, a variant classified as benign is not then subjected to further curation. The score for this variant resulted in a classification of benign for this disease.

NM_001166108.2(PALLD):c.1872C>T (p.Asn624=)

Gene: PALLD (palladin, cytoskeletal associated protein; plus strand). Cytogenetic location: 4q32.3.
Variant type: single nucleotide variant.
Coding change: c.1872C>T on transcript NM_001166108.2 (MANE Select); coding-DNA position 1872, C replaced by T.
Protein change: p.Asn624=; no amino-acid change (asparagine 624 retained).
Molecular consequence: synonymous variant.
Genome position (GRCh38, 1-based): chr4:168,711,831, C>T. VCF-style: chr4-168711831-C-T. GRCh37 (hg19) VCF-style: chr4-169632982-C-T.
Other names: c.726C>T, p.Asn242= (NM_001166109.2); c.1872C>T, p.Asn624= (NM_016081.4).
Identifiers: ClinVar variation 900485 (VCV000900485.6), dbSNP rs189427176, ClinGen allele CA3135737.
Genomic context (GRCh38, chr4:168,711,831, plus strand): 5'-TGCTGCTGAGAGGGAAACGAACGGAGTCCATCCCAGCCGTGGAGTAAATGGACTGATTAA[C>T]GGCAAAGCTAACAGTAATAAATCTCTTCCAACACCAGCTGTCCTGCTTTCACCCACTAAG-3'
Protein context (NP_001159580.1, residues 614-634): HPSRGVNGLI[Asn624=]GKANSNKSLP